The following is an entry in ClinVar:

NM_020872.3(CNTN3):c.1874A>G (p.His625Arg)

Gene: CNTN3 (contactin 3; minus strand). Cytogenetic location: 3p12.3.
Variant type: single nucleotide variant.
Coding change: c.1874A>G on transcript NM_020872.3 (MANE Select); coding-DNA position 1874, A replaced by G.
Protein change: p.His625Arg; replaces histidine 625 with arginine.
Molecular consequence: missense variant.
Genome position (GRCh38, 1-based): chr3:74,301,718, T>C on the plus strand (A>G on the coding strand, the complement: CNTN3 is on the minus strand). VCF-style: chr3-74301718-T-C. GRCh37 (hg19) VCF-style: chr3-74350869-T-C.
Other names: c.1874A>G, p.His625Arg (NM_001393376.1); short protein forms H625R.
Identifiers: ClinVar variation 712461 (VCV000712461.7), dbSNP rs74507713, ClinGen allele CA2495113.

ClinVar aggregate classification (germline): Benign. Review status: criteria provided, multiple submitters, no conflicts (2 of 4 stars). 3 submissions from 3 submitters: Benign (2). 1 of the submissions does not count toward it. Last evaluated 2019-12-31.

Conditions:
CNTN3-related disorder. Also called: CNTN3-related condition.

Allele frequency attached by ClinVar (database versions not stated): gnomAD exomes 0.00084 and 0.00209; ExAC 0.00265; gnomAD 0.00855 and 0.00913; ESP Exome Variant Server 0.00930; TOPMed 0.01067; 1000 Genomes Project 0.01078; 1000 Genomes Project 30x 0.01140.
gnomAD v4.1: 2,567 of 1,614,120 alleles (0.16%); highest among the groups gnomAD compares: African/African-American, 3%; 35 homozygotes.

Submissions (3):

Labcorp Genetics (formerly Invitae), Labcorp
Classification: Benign. Last evaluated: 2019-12-31. Review status: criteria provided, single submitter. Criteria: Invitae Variant Classification Sherloc (09022015). Collection method: clinical testing. Allele origin: germline.

Breakthrough Genomics
Classification: Benign. Review status: criteria provided, single submitter. Criteria: ACMG Guidelines, 2015. Collection method: not provided. Allele origin: germline. Inheritance: Unknown mechanism. Affected: yes.

PreventionGenetics, part of Exact Sciences
Classification: Benign for CNTN3-related condition. Last evaluated: 2019-05-21. Review status: no assertion criteria provided. Collection method: clinical testing. Allele origin: germline. Not counted in ClinVar's aggregate classification.
Comment: This variant is classified as benign based on ACMG/AMP sequence variant interpretation guidelines (Richards et al. 2015 PMID: 25741868, with internal and published modifications).